The following is an entry in ClinVar:

NM_004183.4(BEST1):c.830C>T (p.Thr277Met)

Gene: BEST1 (bestrophin 1; plus strand). Cytogenetic location: 11q12.3.
Variant type: single nucleotide variant.
Coding change: c.830C>T on transcript NM_004183.4 (MANE Select); coding-DNA position 830, C replaced by T.
Protein change: p.Thr277Met; replaces threonine 277 with methionine.
Molecular consequence: missense variant. On other transcripts: non-coding transcript variant (1).
Genome position (GRCh38, 1-based): chr11:61,958,261, C>T. VCF-style: chr11-61958261-C-T. GRCh37 (hg19) VCF-style: chr11-61725733-C-T.
Other names: c.650C>T, p.Thr217Met (NM_001139443.3, NM_001300786.2, NM_001300787.2); c.512C>T, p.Thr171Met (NM_001363591.3); c.830C>T, p.Thr277Met (NM_001363592.2); c.-346C>T (NM_001363593.3); short protein forms T171M, T217M, T277M.
Identifiers: ClinVar variation 860652 (VCV000860652.11), dbSNP rs775791299, ClinGen allele CA6040864.

ClinVar aggregate classification (germline): Pathogenic/Likely pathogenic. Review status: criteria provided, multiple submitters, no conflicts (2 of 4 stars). 3 submissions from 3 submitters: Pathogenic (2); Likely pathogenic (1). Last evaluated 2024-12-28.

Conditions:
Retinal dystrophy. Also called: Inherited retinal dystrophy. Identifiers: Orphanet 71862, MedGen C0854723, MeSH D058499, MONDO:0019118, HP:0000556.
BEST1-related disorder. Also called: BEST1-related condition; BEST1-related disorders. Identifiers: MedGen CN239200.

Allele frequency attached by ClinVar (database versions not stated): ExAC 0.00001; gnomAD exomes 0.00001; gnomAD 0.00003 and 0.00004; TOPMed 0.00004.
gnomAD v4.1: 13 of 1,614,126 alleles (0.00081%); highest among the groups gnomAD compares: African/African-American, 0.004%; no homozygotes.

Submissions (3):

Labcorp Genetics (formerly Invitae), Labcorp
Classification: Pathogenic. Last evaluated: 2024-12-28. Review status: criteria provided, single submitter. Criteria: Invitae Variant Classification Sherloc (09022015). Collection method: clinical testing. Allele origin: germline.
Comment: This sequence change replaces threonine, which is neutral and polar, with methionine, which is neutral and non-polar, at codon 277 of the BEST1 protein (p.Thr277Met). This variant is present in population databases (rs775791299, gnomAD 0.003%). This missense change has been observed in individuals with autosomal recessive BEST1-related conditions (PMID: 25474345, 28687848, 30029497, 30593719, 30781664). ClinVar contains an entry for this variant (Variation ID: 860652). Invitae Evidence Modeling of protein sequence and biophysical properties (such as structural, functional, and spatial information, amino acid conservation, physicochemical variation, residue mobility, and thermodynamic stability) indicates that this missense variant is expected to disrupt BEST1 protein function with a positive predictive value of 95%. For these reasons, this variant has been classified as Pathogenic.

Blueprint Genetics
Classification: Pathogenic for BEST1-related disorders. Last evaluated: 2023-11-27. Review status: criteria provided, single submitter. Criteria: ACMG Guidelines, 2015. Collection method: clinical testing. Allele origin: germline. Affected: yes. Observed: 5 variant alleles.

Institute of Human Genetics, Univ. Regensburg, Univ. Regensburg
Classification: Likely pathogenic for Retinal dystrophy. Last evaluated: 2013-01-01. Review status: criteria provided, single submitter. Criteria: ACMG Guidelines, 2015. Collection method: clinical testing. Allele origin: germline. Affected: yes.

Literature cited by the submitters: PubMed 25474345 (cited by Labcorp Genetics (formerly Invitae), Labcorp and Institute of Human Genetics, Univ. Regensburg, Univ. Regensburg); PubMed 28687848 (cited by Labcorp Genetics (formerly Invitae), Labcorp and Institute of Human Genetics, Univ. Regensburg, Univ. Regensburg); PubMed 30029497 (cited by Labcorp Genetics (formerly Invitae), Labcorp and Institute of Human Genetics, Univ. Regensburg, Univ. Regensburg); PubMed 30593719 (cited by Labcorp Genetics (formerly Invitae), Labcorp and Institute of Human Genetics, Univ. Regensburg, Univ. Regensburg); PubMed 30781664 (cited by Labcorp Genetics (formerly Invitae), Labcorp and Institute of Human Genetics, Univ. Regensburg, Univ. Regensburg); PubMed 28056057 (cited by Institute of Human Genetics, Univ. Regensburg, Univ. Regensburg); PubMed 33302512 (cited by Institute of Human Genetics, Univ. Regensburg, Univ. Regensburg); PubMed 33090715 (cited by Institute of Human Genetics, Univ. Regensburg, Univ. Regensburg); PubMed 34015078 (cited by Institute of Human Genetics, Univ. Regensburg, Univ. Regensburg); PubMed 35973442 (cited by Institute of Human Genetics, Univ. Regensburg, Univ. Regensburg).